The following is an entry in ClinVar:

NM_000487.6(ARSA):c.392G>A (p.Gly131Glu)

Gene: ARSA (arylsulfatase A; minus strand). Cytogenetic location: 22q13.33.
Variant type: single nucleotide variant.
Coding change: c.392G>A on transcript NM_000487.6 (MANE Select); coding-DNA position 392, G replaced by A.
Protein change: p.Gly131Glu; replaces glycine 131 with glutamic acid.
Molecular consequence: missense variant.
Genome position (GRCh38, 1-based): chr22:50,627,239, C>T on the plus strand (G>A on the coding strand, the complement: ARSA is on the minus strand). VCF-style: chr22-50627239-C-T. GRCh37 (hg19) VCF-style: chr22-51065667-C-T.
Other names: c.392G>A, p.Gly131Glu (NM_001085425.3, NM_001085426.3, NM_001085427.3); c.134G>A, p.Gly45Glu (NM_001085428.3, NM_001362782.2); c.392G>A (NM_000487.5); short protein forms G45E, G131E.
Identifiers: ClinVar variation 1364535 (VCV001364535.8), dbSNP rs1336260427, ClinGen allele CA412180582.
Genomic context (GRCh38, chr22:50,627,239, plus strand): 5'-TACGGGATGCCTAGAAATCGATGGAAGCCCTGATGGGGGGGCAGGAAGGCCCCCTCAGGC[C>T]CCACCCCAAGGTGCCACTTGCCGGCCATTCCTGTGAGGTAGCCTCGGGCAGCCAGGACTT-3'
Protein context (NP_000478.3, residues 121-141): GMAGKWHLGV[Gly131Glu]PEGAFLPPHQ

ClinVar aggregate classification (germline): Conflicting classifications of pathogenicity. Review status: criteria provided, conflicting classifications (1 of 4 stars). 2 submissions from 2 submitters: Pathogenic (1); Uncertain significance (1). Last evaluated 2024-03-11.

Conditions:
Metachromatic leukodystrophy (MLD). Also called: ARSA DEFICIENCY; CEREBROSIDE SULFATASE DEFICIENCY; METACHROMATIC LEUKOENCEPHALOPATHY; SULFATIDE LIPIDOSIS; Cerebral sclerosis diffuse metachromatic form; Arylsulfatase A Deficiency. Identifiers: Orphanet 512, MedGen C0023522, MONDO:0018868, OMIM 250100.

Submissions (2):

Labcorp Genetics (formerly Invitae), Labcorp
Classification: Pathogenic for Metachromatic leukodystrophy. Last evaluated: 2024-03-11. Review status: criteria provided, single submitter. Criteria: Invitae Variant Classification Sherloc (09022015). Collection method: clinical testing. Allele origin: germline.
Comment: This sequence change replaces glycine, which is neutral and non-polar, with glutamic acid, which is acidic and polar, at codon 131 of the ARSA protein (p.Gly131Glu). This variant is not present in population databases (gnomAD no frequency). This missense change has been observed in individual(s) with metachromatic leukodystrophy (Invitae). ClinVar contains an entry for this variant (Variation ID: 1364535). Advanced modeling of protein sequence and biophysical properties (such as structural, functional, and spatial information, amino acid conservation, physicochemical variation, residue mobility, and thermodynamic stability) performed at Invitae indicates that this missense variant is expected to disrupt ARSA protein function with a positive predictive value of 95%. For these reasons, this variant has been classified as Pathogenic.

GeneDx
Classification: Uncertain significance. Last evaluated: 2024-02-21. Review status: criteria provided, single submitter. Criteria: GeneDx Variant Classification Process June 2021. Collection method: clinical testing. Allele origin: germline. Affected: yes.
Comment: Not observed at significant frequency in large population cohorts (gnomAD); In silico analysis supports that this missense variant has a deleterious effect on protein structure/function; Has not been previously published as pathogenic or benign to our knowledge; Also known as p.(G129E)